The following is an entry in ClinVar:

NM_021922.3(FANCE):c.329C>T (p.Pro110Leu)

Gene: FANCE (FA complementation group E; plus strand). Cytogenetic location: 6p21.31.
Variant type: single nucleotide variant.
Coding change: c.329C>T on transcript NM_021922.3 (MANE Select); coding-DNA position 329, C replaced by T.
Protein change: p.Pro110Leu; replaces proline 110 with leucine.
Molecular consequence: missense variant.
Genome position (GRCh38, 1-based): chr6:35,455,827, C>T. VCF-style: chr6-35455827-C-T. GRCh37 (hg19) VCF-style: chr6-35423604-C-T.
Other names: c.329C>T (NM_021922.2); short protein forms P110L.
Identifiers: ClinVar variation 981873 (VCV000981873.4), dbSNP rs371485747, ClinGen allele CA3771389.

ClinVar aggregate classification (germline): Uncertain significance. Review status: criteria provided, multiple submitters, no conflicts (2 of 4 stars). 4 submissions from 4 submitters: Uncertain significance (4). Last evaluated 2025-12-08.

Conditions:
Hereditary breast ovarian cancer syndrome. Also called: Hereditary breast and ovarian cancer syndrome; Hereditary breast and/or ovarian cancer syndrome; Hereditary breast and ovarian cancer syndrome (HBOC); Hereditary breast and ovarian cancer; Breast and ovarian cancer; BRCA1- and BRCA2-Associated Hereditary Breast and Ovarian Cancer. Identifiers: Orphanet 145, MedGen C0677776, MeSH D061325, MONDO:0003582. Disease mechanism: loss of function.
Fanconi anemia (FA). Also called: Fanconi's anemia. Identifiers: Orphanet 84, MedGen C0015625, MeSH D005199, MONDO:0019391.
Fanconi anemia complementation group E (FANCE). Also called: FANCE-Related Fanconi Anemia. Identifiers: Orphanet 84, MedGen C3160739, MONDO:0010953, OMIM 600901.

Allele frequency attached by ClinVar (database versions not stated): gnomAD exomes 0.00001 and 0.00003; TOPMed 0.00001; gnomAD 0.00003 and 0.00006; ExAC 0.00004; ESP Exome Variant Server 0.00008; 1000 Genomes Project 30x 0.00031; 1000 Genomes Project 0.00040.

Submissions (4):

Labcorp Genetics (formerly Invitae), Labcorp
Classification: Uncertain significance for Fanconi anemia complementation group E. Last evaluated: 2025-12-08. Review status: criteria provided, single submitter. Criteria: Invitae Variant Classification Sherloc (09022015). Collection method: clinical testing. Allele origin: germline.
Comment: This sequence change replaces proline, which is neutral and non-polar, with leucine, which is neutral and non-polar, at codon 110 of the FANCE protein (p.Pro110Leu). This variant is present in population databases (rs371485747, gnomAD 0.006%). This variant has not been reported in the literature in individuals affected with FANCE-related conditions. ClinVar contains an entry for this variant (Variation ID: 981873). Invitae Evidence Modeling of protein sequence and biophysical properties (such as structural, functional, and spatial information, amino acid conservation, physicochemical variation, residue mobility, and thermodynamic stability) indicates that this missense variant is expected to disrupt FANCE protein function with a positive predictive value of 80%. In summary, the available evidence is currently insufficient to determine the role of this variant in disease. Therefore, it has been classified as a Variant of Uncertain Significance.

Fulgent Genetics
Classification: Uncertain significance for Fanconi anemia complementation group E. Last evaluated: 2021-11-24. Review status: criteria provided, single submitter. Criteria: ACMG Guidelines, 2015. Collection method: clinical testing. Allele origin: unknown.

Sema4
Classification: Uncertain significance for Fanconi anemia. Last evaluated: 2021-10-27. Review status: criteria provided, single submitter. Criteria: Sema4 Curation Guidelines. Collection method: curation. Allele origin: germline.
Comment: The FANCE c.329C>T (p.P110L) variant has been reported in heterozygosity in at least one individual with breast cancer (PMID: 33326660). It was observed in 2/30612 chromosomes of the South Asian subpopulation in the large and broad cohorts of the Genome Aggregation Database (PMID: 32461654). The variant has been reported in ClinVar (Variation ID 981873). Functional studies have not been performed, and in silico predictions of the variant's effect on protein function are inconclusive. The evidence is insufficient to meet ACMG/AMP criteria for classifying the variant as benign or pathogenic. Thus, the clinical significance of this variant is currently uncertain.

Molecular Oncology Research Center, Barretos Cancer Hospital
Classification: Uncertain significance for Hereditary breast ovarian cancer syndrome. Last evaluated: 2020-08-01. Review status: criteria provided, single submitter. Criteria: ACMG Guidelines, 2015. Collection method: research. Allele origin: germline. Affected: yes. Observed: 1 variant allele.

Literature cited by the submitters: PubMed 33326660 (cited by Sema4).